The following is an entry in ClinVar:

ClinVar aggregate classification (germline): Likely benign (1 of 4 stars; one submission).

gnomAD v4.1: 2 of 1,601,530 alleles (0.00012%); highest among the groups gnomAD compares: South Asian, 0.0011%; no homozygotes.

Submission:

CeGaT Center for Human Genetics Tuebingen
Classification: Likely benign. Last evaluated: 2024-11-01. Review status: criteria provided, single submitter. Criteria: CeGaT Center For Human Genetics Tuebingen Variant Classification Criteria Version 2. Collection method: clinical testing. Allele origin: germline. Affected: yes. Observed: 1 variant allele.
Comment: MLLT3: BP4, BP7

NM_004529.4(MLLT3):c.495C>T (p.Ser165=)

Gene: MLLT3 (MLLT3 super elongation complex subunit; minus strand). Cytogenetic location: 9p21.3.
Variant type: single nucleotide variant.
Coding change: c.495C>T on transcript NM_004529.4 (MANE Select); coding-DNA position 495, C replaced by T.
Protein change: p.Ser165=; no amino-acid change (serine 165 retained).
Molecular consequence: synonymous variant.
Genome position (GRCh38, 1-based): chr9:20,414,351, G>A on the plus strand (C>T on the coding strand, the complement: MLLT3 is on the minus strand). VCF-style: chr9-20414351-G-A. GRCh37 (hg19) VCF-style: chr9-20414349-G-A.
Other names: c.486C>T, p.Ser162= (NM_001286691.2).
Identifiers: ClinVar variation 3388155 (VCV003388155.14).